The following is an entry in ClinVar:

NM_001365999.1(SZT2):c.7352C>T (p.Thr2451Ile)

Gene: SZT2 (SZT2 subunit of KICSTOR complex; plus strand). Cytogenetic location: 1p34.2.
Variant type: single nucleotide variant.
Coding change: c.7352C>T on transcript NM_001365999.1 (MANE Select); coding-DNA position 7352, C replaced by T.
Protein change: p.Thr2451Ile; replaces threonine 2451 with isoleucine.
Molecular consequence: missense variant.
Genome position (GRCh38, 1-based): chr1:43,441,221, C>T. VCF-style: chr1-43441221-C-T. GRCh37 (hg19) VCF-style: chr1-43906892-C-T.
Other names: c.7181C>T, p.Thr2394Ile (NM_015284.4); short protein forms T2394I, T2451I.
Identifiers: ClinVar variation 1757548 (VCV001757548.3), dbSNP rs778786644, ClinGen allele CA810211.
Genomic context (GRCh38, chr1:43,441,221, plus strand): 5'-CCACACCTTTCCTCTTCCCAGTAGCCCTTCCTCATTCACTGCATTGCCCCCAGAGTAAAA[C>T]AGAATGTGGGGATTTGGGTTCCCCCAAAACAACTGATGACATTGTCCTGGATCGGCCAGA-3'
Protein context (NP_001352928.1, residues 2441-2461): RRSFWDMLSK[Thr2451Ile]ECGDLGSPKT

ClinVar aggregate classification (germline): Uncertain significance. Review status: criteria provided, multiple submitters, no conflicts (2 of 4 stars). 2 submissions from 2 submitters: Uncertain significance (2). Last evaluated 2017-12-16.

Conditions:
Inborn genetic diseases. Identifiers: MedGen C0950123, MeSH D030342.

Allele frequency attached by ClinVar (database versions not stated): gnomAD exomes below 0.00001; TOPMed below 0.00001; ExAC 0.00002.
gnomAD v4.1: 7 of 1,613,982 alleles (0.00043%); highest among the groups gnomAD compares: South Asian, 0.0066%; no homozygotes.

Submissions (2):

Ambry Genetics
Classification: Uncertain significance for Inborn genetic diseases. Last evaluated: 2017-12-16. Review status: criteria provided, single submitter. Criteria: Ambry Variant Classification Scheme 2023. Collection method: clinical testing. Allele origin: germline.
Comment: The p.T2394I variant (also known as c.7181C>T), located in coding exon 52 of the SZT2 gene, results from a C to T substitution at nucleotide position 7181. The threonine at codon 2394 is replaced by isoleucine, an amino acid with similar properties. This amino acid position is not well conserved in available vertebrate species. In addition, this alteration is predicted to be tolerated by in silico analysis. Since supporting evidence is limited at this time, the clinical significance of this alteration remains unclear.

Breakthrough Genomics
Classification: Uncertain significance. Review status: criteria provided, single submitter. Criteria: ACMG Guidelines, 2015. Collection method: not provided. Allele origin: germline. Inheritance: Autosomal recessive inheritance. Affected: yes.